The following is an entry in ClinVar:

ClinVar aggregate classification (germline): Uncertain significance (1 of 4 stars; one submission).

Conditions:
Epilepsy, familial focal, with variable foci 3 (FFEVF3). Identifiers: MedGen C4310708, MONDO:0014925, OMIM 617118.

Allele frequency attached by ClinVar (database versions not stated): gnomAD 0.00001; TOPMed 0.00001.
gnomAD v4.1: 7 of 1,612,188 alleles (0.00043%); highest among the groups gnomAD compares: East Asian, 0.0045%; no homozygotes.

Submission:

Labcorp Genetics (formerly Invitae), Labcorp
Classification: Uncertain significance for Epilepsy, familial focal, with variable foci 3. Last evaluated: 2024-05-15. Review status: criteria provided, single submitter. Criteria: Invitae Variant Classification Sherloc (09022015). Collection method: clinical testing. Allele origin: germline.
Comment: This sequence change replaces arginine, which is basic and polar, with cysteine, which is neutral and slightly polar, at codon 537 of the NPRL3 protein (p.Arg537Cys). The frequency data for this variant in the population databases is considered unreliable, as metrics indicate poor data quality at this position in the gnomAD database. This variant has not been reported in the literature in individuals affected with NPRL3-related conditions. ClinVar contains an entry for this variant (Variation ID: 1984494). Advanced modeling of protein sequence and biophysical properties (such as structural, functional, and spatial information, amino acid conservation, physicochemical variation, residue mobility, and thermodynamic stability) performed at Invitae indicates that this missense variant is expected to disrupt NPRL3 protein function with a positive predictive value of 80%. In summary, the available evidence is currently insufficient to determine the role of this variant in disease. Therefore, it has been classified as a Variant of Uncertain Significance.

NM_001077350.3(NPRL3):c.1609C>T (p.Arg537Cys)

Gene: NPRL3 (NPR3 like, GATOR1 complex subunit; minus strand). Cytogenetic location: 16p13.3.
Variant type: single nucleotide variant.
Coding change: c.1609C>T on transcript NM_001077350.3 (MANE Select); coding-DNA position 1609, C replaced by T.
Protein change: p.Arg537Cys; replaces arginine 537 with cysteine.
Molecular consequence: missense variant.
Genome position (GRCh38, 1-based): chr16:86,806, G>A on the plus strand (C>T on the coding strand, the complement: NPRL3 is on the minus strand). VCF-style: chr16-86806-G-A. GRCh37 (hg19) VCF-style: chr16-136805-G-A.
Other names: c.1072C>T, p.Arg358Cys (NM_001039476.3); c.1375C>T, p.Arg459Cys (NM_001243247.2); c.1534C>T, p.Arg512Cys (NM_001243248.2, NM_001243249.2); short protein forms R459C, R512C, R537C, R358C.
Identifiers: ClinVar variation 1984494 (VCV001984494.4), dbSNP rs776882707, ClinGen allele CA7769259.